The following is an entry in ClinVar:

NM_001372106.1(DNAH10):c.12288T>A (p.Ile4096=)

Genes: DNAH10 (dynein axonemal heavy chain 10; plus strand), DNAH10OS (dynein axonemal heavy chain 10 opposite strand; minus strand). Cytogenetic location: 12q24.31.
Variant type: single nucleotide variant.
Coding change: c.12288T>A on transcript NM_001372106.1 (MANE Select); coding-DNA position 12288, T replaced by A.
Protein change: p.Ile4096=; no amino-acid change (isoleucine 4096 retained).
Molecular consequence: synonymous variant.
Genome position (GRCh38, 1-based): chr12:123,928,569, T>A. VCF-style: chr12-123928569-T-A. GRCh37 (hg19) VCF-style: chr12-124413116-T-A.
Other names: c.11934T>A, p.Ile3978= (NM_207437.3).
Identifiers: ClinVar variation 2643541 (VCV002643541.24), dbSNP rs2548037925, ClinGen allele CA482283856.

ClinVar aggregate classification (germline): Likely benign (1 of 4 stars; one submission).

Submission:

CeGaT Center for Human Genetics Tuebingen
Classification: Likely benign. Last evaluated: 2023-04-01. Review status: criteria provided, single submitter. Criteria: CeGaT Center For Human Genetics Tuebingen Variant Classification Criteria Version 2. Collection method: clinical testing. Allele origin: germline. Affected: yes. Observed: 1 variant allele.
Comment: DNAH10: PM2:Supporting, BP4, BP7